The following is an entry in ClinVar:

ClinVar aggregate classification (germline): Uncertain significance (1 of 4 stars; one submission).

Allele frequency attached by ClinVar (database versions not stated): gnomAD exomes 0.00002; ExAC 0.00004.
gnomAD v4.1: 23 of 1,611,950 alleles (0.0014%); highest among the groups gnomAD compares: South Asian, 0.024%; no homozygotes.

Submission:

Labcorp Genetics (formerly Invitae), Labcorp
Classification: Uncertain significance. Last evaluated: 2022-09-26. Review status: criteria provided, single submitter. Criteria: Invitae Variant Classification Sherloc (09022015). Collection method: clinical testing. Allele origin: germline.
Comment: This variant has not been reported in the literature in individuals affected with PDE10A-related conditions. Algorithms developed to predict the effect of missense changes on protein structure and function output the following: SIFT: "Tolerated"; PolyPhen-2: "Benign"; Align-GVGD: "Class C0". The leucine amino acid residue is found in multiple mammalian species, which suggests that this missense change does not adversely affect protein function. In summary, the available evidence is currently insufficient to determine the role of this variant in disease. Therefore, it has been classified as a Variant of Uncertain Significance. This sequence change replaces serine, which is neutral and polar, with leucine, which is neutral and non-polar, at codon 64 of the PDE10A protein (p.Ser64Leu). This variant is present in population databases (rs754116544, gnomAD 0.04%).

NM_001385079.1(PDE10A):c.989C>T (p.Ser330Leu)

Gene: PDE10A (phosphodiesterase 10A; minus strand). Cytogenetic location: 6q27.
Variant type: single nucleotide variant.
Coding change: c.989C>T on transcript NM_001385079.1 (MANE Select); coding-DNA position 989, C replaced by T.
Protein change: p.Ser330Leu; replaces serine 330 with leucine.
Molecular consequence: missense variant.
Genome position (GRCh38, 1-based): chr6:165,543,445, G>A on the plus strand (C>T on the coding strand, the complement: PDE10A is on the minus strand). VCF-style: chr6-165543445-G-A. GRCh37 (hg19) VCF-style: chr6-165956933-G-A.
Other names: c.191C>T, p.Ser64Leu (NM_001130690.3); c.161C>T, p.Ser54Leu (NM_006661.4); short protein forms S330L, S54L, S64L.
Identifiers: ClinVar variation 1720426 (VCV001720426.5), dbSNP rs754116544, ClinGen allele CA4092582.
Genomic context (GRCh38, chr6:165,543,445, plus strand): 5'-TTTTGCCGTAAGATAGAAAAAGCTGGTTTAAAATGAGATCCACAAGAGACCTTACCTTCT[G>A]ATTTGTTGTTCTTCCTCTTCAGCCATTTCTCTACTGTCTCTGCACTAACACTTTCAGATA-3'
Protein context (NP_001372008.1, residues 320-340): EKWLKRKNNK[Ser330Leu]EDESAPKEVS